The following is an entry in ClinVar:

ClinVar aggregate classification (germline): Uncertain significance. Review status: criteria provided, multiple submitters, no conflicts (2 of 4 stars). 2 submissions from 2 submitters: Uncertain significance (2). Last evaluated 2024-06-21.

Conditions:
Hereditary cancer-predisposing syndrome. Also called: Hereditary Cancer Syndrome; Tumor predisposition; Hereditary neoplastic syndrome; Neoplastic Syndromes, Hereditary. Identifiers: Orphanet 140162, MedGen C0027672, MeSH D009386, MONDO:0015356.
Familial cancer of breast. Also called: BREAST CANCER, FAMILIAL; Hereditary breast cancer; hereditary breast carcinoma. Identifiers: Orphanet 227535, MedGen C0346153, MONDO:0016419, OMIM 114480. Disease mechanism: loss of function.

Submissions (2):

Labcorp Genetics (formerly Invitae), Labcorp
Classification: Uncertain significance for Familial cancer of breast. Last evaluated: 2024-06-21. Review status: criteria provided, single submitter. Criteria: Invitae Variant Classification Sherloc (09022015). Collection method: clinical testing. Allele origin: germline.
Comment: This sequence change replaces lysine, which is basic and polar, with glutamic acid, which is acidic and polar, at codon 232 of the BARD1 protein (p.Lys232Glu). This variant is not present in population databases (gnomAD no frequency). This variant has not been reported in the literature in individuals affected with BARD1-related conditions. ClinVar contains an entry for this variant (Variation ID: 1057260). Algorithms developed to predict the effect of missense changes on protein structure and function output the following: SIFT: "Not Available"; PolyPhen-2: "Benign"; Align-GVGD: "Not Available". The glutamic acid amino acid residue is found in multiple mammalian species, which suggests that this missense change does not adversely affect protein function. In summary, the available evidence is currently insufficient to determine the role of this variant in disease. Therefore, it has been classified as a Variant of Uncertain Significance.

Ambry Genetics
Classification: Uncertain significance for Hereditary cancer-predisposing syndrome. Last evaluated: 2024-06-08. Review status: criteria provided, single submitter. Criteria: Ambry Variant Classification Scheme 2023. Collection method: clinical testing. Allele origin: germline.
Comment: The p.K232E variant (also known as c.694A>G), located in coding exon 4 of the BARD1 gene, results from an A to G substitution at nucleotide position 694. The lysine at codon 232 is replaced by glutamic acid, an amino acid with similar properties. This amino acid position is conserved. In addition, this alteration is predicted to be tolerated by in silico analysis. Based on the available evidence, the clinical significance of this variant remains unclear.

NM_000465.4(BARD1):c.694A>G (p.Lys232Glu)

Gene: BARD1 (BRCA1 associated RING domain 1; minus strand). Cytogenetic location: 2q35.
Variant type: single nucleotide variant.
Coding change: c.694A>G on transcript NM_000465.4 (MANE Select); coding-DNA position 694, A replaced by G.
Protein change: p.Lys232Glu; replaces lysine 232 with glutamic acid.
Molecular consequence: missense variant. On other transcripts: non-coding transcript variant (2), intron variant (3).
Genome position (GRCh38, 1-based): chr2:214,781,180, T>C on the plus strand (A>G on the coding strand, the complement: BARD1 is on the minus strand). VCF-style: chr2-214781180-T-C. GRCh37 (hg19) VCF-style: chr2-215645904-T-C.
Other names: c.637A>G, p.Lys213Glu (NM_001282543.2); c.158+28232A>G (NM_001282548.2); c.215+15881A>G (NM_001282545.2); c.364+11117A>G (NM_001282549.2); c.694A>G (NM_000465.2); short protein forms K213E, K232E.
Identifiers: ClinVar variation 1057260 (VCV001057260.9), dbSNP rs1695001554, ClinGen allele CA350456379.